The following is an entry in ClinVar:

ClinVar aggregate classification (germline): Pathogenic/Likely pathogenic. Review status: criteria provided, multiple submitters, no conflicts (2 of 4 stars). 3 submissions from 3 submitters: Pathogenic (1); Likely pathogenic (1). 1 of the submissions does not count toward it. Last evaluated 2024-07-04.

Conditions:
CDKL5 disorder. Identifiers: MedGen CN296942, MONDO:0100039.
Developmental and epileptic encephalopathy, 2 (DEE2). Also called: CDKL5 deficiency disorder; INFANTILE SPASM SYNDROME, X-LINKED 2. Identifiers: Orphanet 1934, Orphanet 3451, Orphanet 505652, MedGen C4750718, MONDO:0010396, OMIM 300672.

Submissions (3):

Centre for Population Genomics, CPG
Classification: Likely pathogenic for CDKL5 disorder. Last evaluated: 2024-07-04. Review status: criteria provided, single submitter. Criteria: McKnight et al. (Hum Mutat. 2022). Collection method: curation. Allele origin: germline. Inheritance: X-linked inheritance.
Comment: This variant has been collected from RettBASE and curated to current modified ACMG/AMP criteria. Based on the classification scheme defined by the ClinGen Rett/Angelman-like Expert Panel for Rett/AS-like Disorders Specifications to the ACMG/AMP Variant Interpretation Guidelines VCEP 3.0, this variant is classified as likely pathogenic. At least the following criteria are met: Predicted to result in loss of function, and LOF is a known mechanism of disease (PVS1). This variant is absent from gnomAD (PM2_Supporting).

Genetic Services Laboratory, University of Chicago
Classification: Pathogenic for Epileptic encephalopathy, early infantile, 2. Last evaluated: 2013-02-08. Review status: criteria provided, single submitter. Criteria: ACMG Guidelines, 2007. Collection method: clinical testing. Allele origin: germline. Affected: yes.

RettBASE
No classification provided. Review status: no classification provided. Collection method: not provided. Allele origin: not provided. Not counted in ClinVar's aggregate classification.

NM_003159.2(CDKL5):c.65dupG

Gene: CDKL5 (cyclin dependent kinase like 5; plus strand). Cytogenetic location: Xp22.13.
Variant type: Duplication.
Coding change: c.65dupG on transcript NM_003159.2; coding-DNA position 65, one base duplicated (G).
Genome position (GRCh38, 1-based): chrX:18,510,820, G duplicated; the last of 2 consecutive G bases (chrX:18,510,819-18,510,820); duplicating either gives the same sequence. VCF-style (leftmost placement, unchanged base first): chrX-18510818-A-AG. GRCh37 (hg19) VCF-style: chrX-18528938-A-AG.
Identifiers: ClinVar variation 143831 (VCV000143831.8), dbSNP rs267608420, ClinGen allele CA207601.